The following is an entry in ClinVar:

NM_152536.4(FGD5):c.3544G>A (p.Glu1182Lys)

Gene: FGD5 (FYVE, RhoGEF and PH domain containing 5; plus strand). Cytogenetic location: 3p25.1.
Variant type: single nucleotide variant.
Coding change: c.3544G>A on transcript NM_152536.4 (MANE Select); coding-DNA position 3544, G replaced by A.
Protein change: p.Glu1182Lys; replaces glutamic acid 1182 with lysine.
Molecular consequence: missense variant.
Genome position (GRCh38, 1-based): chr3:14,918,808, G>A. VCF-style: chr3-14918808-G-A. GRCh37 (hg19) VCF-style: chr3-14960315-G-A.
Other names: c.3544G>A, p.Glu1182Lys (NM_001320276.2); short protein forms E1182K.
Identifiers: ClinVar variation 2653590 (VCV002653590.24), dbSNP rs769810578, ClinGen allele CA2272187.

ClinVar aggregate classification (germline): Likely benign (1 of 4 stars; one submission).

Allele frequency attached by ClinVar (database versions not stated): ExAC 0.00002.
gnomAD v4.1: 26 of 1,613,864 alleles (0.0016%); highest among the groups gnomAD compares: African/African-American, 0.0027%; no homozygotes.

Submission:

CeGaT Center for Human Genetics Tuebingen
Classification: Likely benign. Last evaluated: 2023-02-01. Review status: criteria provided, single submitter. Criteria: CeGaT Center For Human Genetics Tuebingen Variant Classification Criteria Version 2. Collection method: clinical testing. Allele origin: germline. Affected: yes. Observed: 1 variant allele.
Comment: FGD5: BP4